The following is an entry in ClinVar:

ClinVar aggregate classification (germline): Uncertain significance (1 of 4 stars; one submission).

Conditions:
Macular degeneration, early-onset (EOMD). Identifiers: MedGen C4015286, MONDO:0014501, OMIM 616118.

gnomAD v4.1: 6 of 1,612,266 alleles (0.00037%); highest among the groups gnomAD compares: Non-Finnish European, 0.00051%; no homozygotes.

Submission:

3billion
Classification: Uncertain significance for Macular degeneration, early-onset. Last evaluated: 2024-11-25. Review status: criteria provided, single submitter. Criteria: ACMG Guidelines, 2015. Collection method: clinical testing. Allele origin: germline. Affected: yes.
Comment: The variant is observed at an extremely low frequency in the gnomAD v4.1.0 dataset (total allele frequency: <0.001%). Predicted Consequence/Location: The variant is located in a mutational hot spot and/or well-established functional domain in which established pathogenic variants have been reported (PMID: 35360850, 17345643). Therefore, this variant is classified as VUS according to the recommendation of ACMG/AMP guideline.

NM_001999.4(FBN2):c.3998C>T (p.Ser1333Leu)

Gene: FBN2 (fibrillin 2; minus strand). Cytogenetic location: 5q23.3.
Variant type: single nucleotide variant.
Coding change: c.3998C>T on transcript NM_001999.4 (MANE Select); coding-DNA position 3998, C replaced by T.
Protein change: p.Ser1333Leu; replaces serine 1333 with leucine.
Molecular consequence: missense variant.
Genome position (GRCh38, 1-based): chr5:128,334,820, G>A on the plus strand (C>T on the coding strand, the complement: FBN2 is on the minus strand). VCF-style: chr5-128334820-G-A. GRCh37 (hg19) VCF-style: chr5-127670512-G-A.
Other names: short protein forms S1333L.
Identifiers: ClinVar variation 4293680 (VCV004293680.1).